The following is an entry in ClinVar:

ClinVar aggregate classification (germline): Uncertain significance. Review status: criteria provided, multiple submitters, no conflicts (2 of 4 stars). 2 submissions from 2 submitters: Uncertain significance (2). Last evaluated 2025-08-10.

Conditions:
Joubert syndrome 15 (JBTS15). Identifiers: Orphanet 475, MedGen C3280897, MONDO:0013763, OMIM 614464.
Inborn genetic diseases. Identifiers: MedGen C0950123, MeSH D030342.

Allele frequency attached by ClinVar (database versions not stated): TOPMed 0.00002; ExAC 0.00003; gnomAD exomes 0.00006; 1000 Genomes Project 0.00020; 1000 Genomes Project 30x 0.00031.
gnomAD v4.1: 44 of 1,613,744 alleles (0.0027%); highest among the groups gnomAD compares: Middle Eastern, 0.016%; no homozygotes.

Submissions (2):

Ambry Genetics
Classification: Uncertain significance for Inborn genetic diseases. Last evaluated: 2025-08-10. Review status: criteria provided, single submitter. Criteria: Ambry Variant Classification Scheme 2023. Collection method: clinical testing. Allele origin: germline.

Labcorp Genetics (formerly Invitae), Labcorp
Classification: Uncertain significance for Joubert syndrome 15. Last evaluated: 2021-11-19. Review status: criteria provided, single submitter. Criteria: Invitae Variant Classification Sherloc (09022015). Collection method: clinical testing. Allele origin: germline.
Comment: In summary, the available evidence is currently insufficient to determine the role of this variant in disease. Therefore, it has been classified as a Variant of Uncertain Significance. Algorithms developed to predict the effect of missense changes on protein structure and function (SIFT, PolyPhen-2, Align-GVGD) all suggest that this variant is likely to be disruptive. This variant has not been reported in the literature in individuals affected with CEP41-related conditions. This variant is present in population databases (rs546106020, gnomAD 0.02%). This sequence change replaces arginine, which is basic and polar, with histidine, which is basic and polar, at codon 136 of the CEP41 protein (p.Arg136His).

NM_018718.3(CEP41):c.407G>A (p.Arg136His)

Gene: CEP41 (centrosomal protein 41; minus strand). Cytogenetic location: 7q32.2.
Variant type: single nucleotide variant.
Coding change: c.407G>A on transcript NM_018718.3 (MANE Select); coding-DNA position 407, G replaced by A.
Protein change: p.Arg136His; replaces arginine 136 with histidine.
Molecular consequence: missense variant.
Genome position (GRCh38, 1-based): chr7:130,404,579, C>T on the plus strand (G>A on the coding strand, the complement: CEP41 is on the minus strand). VCF-style: chr7-130404579-C-T. GRCh37 (hg19) VCF-style: chr7-130044420-C-T.
Other names: c.407G>A (NM_018718.1); c.407G>A, p.Arg136His (NM_001257158.2); c.359G>A, p.Arg120His (NM_001257159.2); short protein forms R136H, R120H.
Identifiers: ClinVar variation 1430729 (VCV001430729.7), dbSNP rs546106020, ClinGen allele CA4485586.